The following is an entry in ClinVar:

ClinVar aggregate classification (germline): Likely pathogenic (1 of 4 stars; one submission).

Allele frequency attached by ClinVar (database versions not stated): TOPMed below 0.00001.

Submission:

Diagnostics Services (NGS), CSIR - Centre For Cellular And Molecular Biology
Classification: Likely pathogenic. Last evaluated: 2022-08-30. Review status: criteria provided, single submitter. Criteria: ACMG Guidelines, 2015. Collection method: clinical testing. Allele origin: unknown. Affected: no. Observed: 1 variant allele, 1 heterozygote.
Comment: The c.5056C>A variant is not present in 1000 Genomes, EVS, gnomAD and Indian Exome Database. The variant is not present in our in-house exome database. In-silico pathogenicity prediction programs like PolyPhen-2, MutationTaster2, CADD, Varsome etc. predicted this variant to be likely deleterious, however these predictions were not confirmed by any published functional studies. The variant is located in a dense mutational hotspot region of the gene and an alternative variant (c.5056C>T) in the same location was previously identified and reported to HGMD (ID: CM052387) in patients affected with Tuberous sclerosis [5].

NM_000548.5(TSC2):c.5056C>A (p.Gln1686Lys)

Gene: TSC2 (TSC complex subunit 2; plus strand). Cytogenetic location: 16p13.3.
Variant type: single nucleotide variant.
Coding change: c.5056C>A on transcript NM_000548.5 (MANE Select); coding-DNA position 5056, C replaced by A.
Protein change: p.Gln1686Lys; replaces glutamine 1686 with lysine.
Molecular consequence: missense variant.
Genome position (GRCh38, 1-based): chr16:2,087,929, C>A. VCF-style: chr16-2087929-C-A. GRCh37 (hg19) VCF-style: chr16-2137930-C-A.
Other names: c.3514C>A, p.Gln1172Lys (NM_001406693.1, NM_001406694.1, NM_001406692.1); c.3511C>A, p.Gln1171Lys (NM_001406695.1, NM_001406696.1, NM_001406697.1); c.3253C>A, p.Gln1085Lys (NM_001406698.1); c.4927C>A, p.Gln1643Lys (NM_021055.3, NM_001370405.1); c.4855C>A, p.Gln1619Lys (NM_001077183.3); c.4987C>A, p.Gln1663Lys (NM_001114382.3); c.4747C>A, p.Gln1583Lys (NM_001318827.2); c.4711C>A, p.Gln1571Lys (NM_001318829.2); and 26 more; short protein forms Q1085K, Q1171K, Q1172K, Q1194K, Q1195K, Q1215K, Q1419K, Q1420K.
Identifiers: ClinVar variation 1802241 (VCV001802241.3), dbSNP rs45517388, ClinGen allele CA394311622.